The following is an entry in ClinVar:

ClinVar aggregate classification (germline): Uncertain significance (1 of 4 stars; one submission).

Submission:

Ambry Genetics
Classification: Uncertain significance. Last evaluated: 2021-09-09. Review status: criteria provided, single submitter. Criteria: Ambry Variant Classification Scheme 2023. Collection method: clinical testing. Allele origin: germline.
Comment: The c.-4A>T variant is located in the 5' untranslated region (5&rsquo; UTR) of the RECQL gene. This variant results from an A to T substitution 4 bases upstream from the first translated codon. This nucleotide position is conserved on limited sequence alignment. Since supporting evidence is limited at this time, the clinical significance of this alteration remains unclear.

NM_002907.4(RECQL):c.-4A>T

Gene: RECQL (RecQ like helicase; minus strand). Cytogenetic location: 12p12.1.
Variant type: single nucleotide variant.
Coding change: c.-4A>T on transcript NM_002907.4 (MANE Select); 4 bases upstream of the start codon, A replaced by T.
Molecular consequence: 5 prime UTR variant.
Genome position (GRCh38, 1-based): chr12:21,499,574, T>A on the plus strand (A>T on the coding strand, the complement: RECQL is on the minus strand). VCF-style: chr12-21499574-T-A. GRCh37 (hg19) VCF-style: chr12-21652508-T-A.
Other names: c.-4A>T (NM_032941.3).
Identifiers: ClinVar variation 1744684 (VCV001744684.2), dbSNP rs2540428328, ClinGen allele CA2580085228.